The following is an entry in ClinVar:

ClinVar aggregate classification (germline): Uncertain significance. Review status: criteria provided, multiple submitters, no conflicts (2 of 4 stars). 2 submissions from 2 submitters: Uncertain significance (2). Last evaluated 2023-02-16.

Allele frequency attached by ClinVar (database versions not stated): ExAC 0.00001; TOPMed 0.00002; gnomAD 0.00003.
gnomAD v4.1: 34 of 1,614,166 alleles (0.0021%); highest among the groups gnomAD compares: East Asian, 0.031%; no homozygotes.

Submissions (2):

Ambry Genetics
Classification: Uncertain significance. Last evaluated: 2023-02-16. Review status: criteria provided, single submitter. Criteria: Ambry Variant Classification Scheme 2023. Collection method: clinical testing. Allele origin: germline.

Labcorp Genetics (formerly Invitae), Labcorp
Classification: Uncertain significance. Last evaluated: 2022-06-11. Review status: criteria provided, single submitter. Criteria: Invitae Variant Classification Sherloc (09022015). Collection method: clinical testing. Allele origin: germline.
Comment: In summary, the available evidence is currently insufficient to determine the role of this variant in disease. Therefore, it has been classified as a Variant of Uncertain Significance. Algorithms developed to predict the effect of missense changes on protein structure and function output the following: SIFT: "Deleterious"; PolyPhen-2: "Benign"; Align-GVGD: "Class C0". The methionine amino acid residue is found in multiple mammalian species, which suggests that this missense change does not adversely affect protein function. This variant has not been reported in the literature in individuals affected with ATPAF2-related conditions. This variant is present in population databases (rs766680238, gnomAD 0.04%). This sequence change replaces valine, which is neutral and non-polar, with methionine, which is neutral and non-polar, at codon 132 of the ATPAF2 protein (p.Val132Met).

NM_145691.4(ATPAF2):c.394G>A (p.Val132Met)

Gene: ATPAF2 (ATP synthase mitochondrial F1 complex assembly factor 2; minus strand). Cytogenetic location: 17p11.2.
Variant type: single nucleotide variant.
Coding change: c.394G>A on transcript NM_145691.4 (MANE Select); coding-DNA position 394, G replaced by A.
Protein change: p.Val132Met; replaces valine 132 with methionine.
Molecular consequence: missense variant.
Genome position (GRCh38, 1-based): chr17:18,026,347, C>T on the plus strand (G>A on the coding strand, the complement: ATPAF2 is on the minus strand). VCF-style: chr17-18026347-C-T. GRCh37 (hg19) VCF-style: chr17-17929661-C-T.
Other names: c.394G>A (NM_145691.3); short protein forms V132M.
Identifiers: ClinVar variation 2084747 (VCV002084747.6), dbSNP rs766680238, ClinGen allele CA8421885.